The following is an entry in ClinVar:

ClinVar aggregate classification (germline): Uncertain significance (1 of 4 stars; one submission).

Submission:

Labcorp Genetics (formerly Invitae), Labcorp
Classification: Uncertain significance. Last evaluated: 2021-11-27. Review status: criteria provided, single submitter. Criteria: Invitae Variant Classification Sherloc (09022015). Collection method: clinical testing. Allele origin: germline.
Comment: In summary, the available evidence is currently insufficient to determine the role of this variant in disease. Therefore, it has been classified as a Variant of Uncertain Significance. Variants that disrupt the consensus splice site are a relatively common cause of aberrant splicing (PMID: 17576681, 9536098). Algorithms developed to predict the effect of sequence changes on RNA splicing suggest that this variant may disrupt the consensus splice site. This variant has been observed in individual(s) with clinical features of Warburg micro syndrome (Invitae). This variant is not present in population databases (gnomAD no frequency). This sequence change falls in intron 15 of the RAB3GAP1 gene. It does not directly change the encoded amino acid sequence of the RAB3GAP1 protein. It affects a nucleotide within the consensus splice site.

Literature cited by the submitters: PubMed 17576681; PubMed 9536098.

NM_012233.3(RAB3GAP1):c.1499+3A>C

Gene: RAB3GAP1 (RAB3 GTPase activating protein catalytic subunit 1; plus strand). Cytogenetic location: 2q21.3.
Variant type: single nucleotide variant.
Coding change: c.1499+3A>C on transcript NM_012233.3 (MANE Select); 3 bases into the intron after coding-DNA position 1499, A replaced by C.
Molecular consequence: intron variant.
Genome position (GRCh38, 1-based): chr2:135,134,036, A>C. VCF-style: chr2-135134036-A-C. GRCh37 (hg19) VCF-style: chr2-135891606-A-C.
Other names: c.1499+3A>C (NM_001172435.2).
Identifiers: ClinVar variation 1945096 (VCV001945096.5), dbSNP rs2468221397, ClinGen allele CA2580063819.